The following is an entry in ClinVar:

ClinVar aggregate classification (germline): Conflicting classifications of pathogenicity. Review status: criteria provided, conflicting classifications (1 of 4 stars). 3 submissions from 3 submitters: Uncertain significance (2); Likely benign (1). Last evaluated 2026-01-10.

Conditions:
Hereditary cancer-predisposing syndrome. Also called: Neoplastic Syndromes, Hereditary; Hereditary Cancer Syndrome; Tumor predisposition; Hereditary neoplastic syndrome. Identifiers: Orphanet 140162, MedGen C0027672, MeSH D009386, MONDO:0015356.
Ataxia-telangiectasia syndrome (AT). Also called: LOUIS-BAR SYNDROME; Cerebello-oculocutaneous telangiectasia; Immunodeficiency with ataxia telangiectasia; Ataxia-telangiectasia, complementation group D; AT, COMPLEMENTATION GROUP C; Ataxia-telangiectasia, complementation group E. Identifiers: Orphanet 100, MedGen C0004135, MONDO:0008840, OMIM 208900.

Submissions (3):

Labcorp Genetics (formerly Invitae), Labcorp
Classification: Uncertain significance for Ataxia-telangiectasia syndrome. Last evaluated: 2026-01-10. Review status: criteria provided, single submitter. Criteria: Invitae Variant Classification Sherloc (09022015). Collection method: clinical testing. Allele origin: germline.
Comment: This sequence change replaces leucine, which is neutral and non-polar, with valine, which is neutral and non-polar, at codon 2006 of the ATM protein (p.Leu2006Val). This variant is not present in population databases (gnomAD no frequency). This variant has not been reported in the literature in individuals affected with ATM-related conditions. ClinVar contains an entry for this variant (Variation ID: 481263). Invitae Evidence Modeling of protein sequence and biophysical properties (such as structural, functional, and spatial information, amino acid conservation, physicochemical variation, residue mobility, and thermodynamic stability) indicates that this missense variant is not expected to disrupt ATM protein function with a negative predictive value of 95%. In summary, the available evidence is currently insufficient to determine the role of this variant in disease. Therefore, it has been classified as a Variant of Uncertain Significance.

Ambry Genetics
Classification: Likely benign for Hereditary cancer-predisposing syndrome. Last evaluated: 2024-08-01. Review status: criteria provided, single submitter. Criteria: Ambry Variant Classification Scheme 2023. Collection method: clinical testing. Allele origin: germline.

GeneDx
Classification: Uncertain significance. Last evaluated: 2023-07-30. Review status: criteria provided, single submitter. Criteria: GeneDx Variant Classification Process June 2021. Collection method: clinical testing. Allele origin: germline. Affected: yes.
Comment: Not observed at significant frequency in large population cohorts (gnomAD); In silico analysis supports that this missense variant does not alter protein structure/function; Has not been previously published as pathogenic or benign to our knowledge; This variant is associated with the following publications: (PMID: 23532176)

NM_000051.4(ATM):c.6016T>G (p.Leu2006Val)

Genes: ATM (ATM serine/threonine kinase; plus strand), C11orf65 (chromosome 11 open reading frame 65; minus strand). Cytogenetic location: 11q22.3.
Variant type: single nucleotide variant.
Coding change: c.6016T>G on transcript NM_000051.4 (MANE Select); coding-DNA position 6016, T replaced by G.
Protein change: p.Leu2006Val; replaces leucine 2006 with valine.
Molecular consequence: missense variant. On other transcripts: intron variant (2).
Genome position (GRCh38, 1-based): chr11:108,315,832, T>G. VCF-style: chr11-108315832-T-G. GRCh37 (hg19) VCF-style: chr11-108186559-T-G.
Other names: c.6016T>G, p.Leu2006Val (NM_001351834.2); c.641-6761A>C (NM_001330368.2); c.*39-6761A>C (NM_001351110.2); short protein forms L2006V.
Identifiers: ClinVar variation 481263 (VCV000481263.16), dbSNP rs1555113531, ClinGen allele CA382549810.